The following is an entry in ClinVar:

NM_000535.7(PMS2):c.417C>A (p.His139Gln)

Gene: PMS2 (PMS1 homolog 2, mismatch repair system component; minus strand). Cytogenetic location: 7p22.1.
Variant type: single nucleotide variant.
Coding change: c.417C>A on transcript NM_000535.7 (MANE Select); coding-DNA position 417, C replaced by A.
Protein change: p.His139Gln; replaces histidine 139 with glutamine.
Molecular consequence: missense variant. On other transcripts: 5 prime UTR variant (2), non-coding transcript variant (1).
Genome position (GRCh38, 1-based): chr7:6,002,573, G>T on the plus strand (C>A on the coding strand, the complement: PMS2 is on the minus strand). VCF-style: chr7-6002573-G-T. GRCh37 (hg19) VCF-style: chr7-6042204-G-T.
Other names: c.12C>A, p.His4Gln (NM_001322003.2, NM_001322004.2, NM_001322005.2 and 3 more transcripts); c.417C>A, p.His139Gln (NM_001322006.2, NM_001322014.2); c.99C>A, p.His33Gln (NM_001322007.2, NM_001322008.2); c.-468C>A (NM_001322011.2, NM_001322012.2); c.108C>A, p.His36Gln (NM_001322015.2); short protein forms H36Q, H139Q, H33Q, H4Q.
Identifiers: ClinVar variation 1442830 (VCV001442830.10), dbSNP rs876659919, ClinGen allele CA366744393.
Genomic context (GRCh38, chr7:6,002,573, plus strand): 5'-CACGCTGACTGTGGTCCCTCTGGGGCGGGGGTAGGGGGTTTTCTGGATAATTTTCCCATT[G>T]TGATCAAACATCAGTCGAGTTCCAACCTTCGCCGATGCGTGGCAGGTAGAAATGGTGACA-3'
Protein context (NP_000526.2, residues 129-149): AKVGTRLMFD[His139Gln]NGKIIQKTPY

ClinVar aggregate classification (germline): Uncertain significance. Review status: criteria provided, multiple submitters, no conflicts (2 of 4 stars). 2 submissions from 2 submitters: Uncertain significance (2). Last evaluated 2021-08-12.

Conditions:
Hereditary cancer-predisposing syndrome. Also called: Tumor predisposition; Hereditary Cancer Syndrome; Hereditary neoplastic syndrome; Neoplastic Syndromes, Hereditary. Identifiers: Orphanet 140162, MedGen C0027672, MeSH D009386, MONDO:0015356.
Hereditary nonpolyposis colorectal neoplasms. Identifiers: MedGen C0009405, MeSH D003123.

Submissions (2):

Labcorp Genetics (formerly Invitae), Labcorp
Classification: Uncertain significance for Hereditary nonpolyposis colorectal neoplasms. Last evaluated: 2021-08-12. Review status: criteria provided, single submitter. Criteria: Invitae Variant Classification Sherloc (09022015). Collection method: clinical testing. Allele origin: germline.
Comment: This sequence change replaces histidine with glutamine at codon 139 of the PMS2 protein (p.His139Gln). The histidine residue is highly conserved and there is a small physicochemical difference between histidine and glutamine. In summary, the available evidence is currently insufficient to determine the role of this variant in disease. Therefore, it has been classified as a Variant of Uncertain Significance. Advanced modeling of protein sequence and biophysical properties (such as structural, functional, and spatial information, amino acid conservation, physicochemical variation, residue mobility, and thermodynamic stability) performed at Invitae indicates that this missense variant is not expected to disrupt PMS2 protein function. This variant has not been reported in the literature in individuals with PMS2-related conditions. This variant is not present in population databases (ExAC no frequency).

Ambry Genetics
Classification: Uncertain significance for Hereditary cancer-predisposing syndrome. Last evaluated: 2020-05-26. Review status: criteria provided, single submitter. Criteria: Ambry Variant Classification Scheme 2023. Collection method: clinical testing. Allele origin: germline.
Comment: The p.H139Q variant (also known as c.417C>A), located in coding exon 5 of the PMS2 gene, results from a C to A substitution at nucleotide position 417. The histidine at codon 139 is replaced by glutamine, an amino acid with highly similar properties. This amino acid position is highly conserved in available vertebrate species. In addition, the in silico prediction for this alteration is inconclusive. Since supporting evidence is limited at this time, the clinical significance of this alteration remains unclear.